The following is an entry in ClinVar:

ClinVar aggregate classification (germline): Uncertain significance (1 of 4 stars; one submission).

Submission:

GeneDx
Classification: Uncertain significance. Last evaluated: 2019-08-30. Review status: criteria provided, single submitter. Criteria: GeneDx Variant Classification Process June 2021. Collection method: clinical testing. Allele origin: germline. Affected: yes.
Comment: Not observed in large population cohorts (Lek et al., 2016); In silico analysis, which includes protein predictors and evolutionary conservation, supports that this variant does not alter protein structure/function; Has not been previously published as pathogenic or benign to our knowledge

NM_001292063.2(OTOG):c.4049C>A (p.Ser1350Tyr)

Gene: OTOG (otogelin; plus strand). Cytogenetic location: 11p15.1.
Variant type: single nucleotide variant.
Coding change: c.4049C>A on transcript NM_001292063.2 (MANE Select); coding-DNA position 4049, C replaced by A.
Protein change: p.Ser1350Tyr; replaces serine 1350 with tyrosine.
Molecular consequence: missense variant.
Genome position (GRCh38, 1-based): chr11:17,606,028, C>A. VCF-style: chr11-17606028-C-A. GRCh37 (hg19) VCF-style: chr11-17627575-C-A.
Other names: c.4085C>A, p.Ser1362Tyr (NM_001277269.2); short protein forms S1350Y, S1362Y.
Identifiers: ClinVar variation 1310485 (VCV001310485.2), dbSNP rs1346974637, ClinGen allele CA379792366.